The following is an entry in ClinVar:

NM_014244.5(ADAMTS2):c.11del (p.Pro4fs)

Gene: ADAMTS2 (ADAM metallopeptidase with thrombospondin type 1 motif 2; minus strand). Cytogenetic location: 5q35.3.
Variant type: Deletion.
Coding change: c.11del on transcript NM_014244.5 (MANE Select); coding-DNA position 11, one base deleted (C; older notation c.11delC).
Protein change: p.Pro4fs; shifts the reading frame from proline 4.
Molecular consequence: frameshift variant.
Genome position (GRCh38, 1-based): chr5:179,345,318, G deleted on the plus strand (C on the coding strand, the reverse complement: ADAMTS2 is on the minus strand); the first of 2 consecutive G bases (chr5:179,345,318-179,345,319); deleting either gives the same sequence. VCF-style (leftmost placement, unchanged base first): chr5-179345317-CG-C. GRCh37 (hg19) VCF-style: chr5-178772318-CG-C.
Other names: c.11del, p.Pro4fs (NM_021599.4); short protein forms P4fs.
Identifiers: ClinVar variation 2033273 (VCV002033273.4), dbSNP rs2532193871, ClinGen allele CA2580074181.
Genomic context (GRCh38, chr5:179,345,317, plus strand): 5'-CGGCAGCAGCAGCAGCAGCAGCAGCAGCGCGGGGCAGAGCAGGCGGCGAGCGGCTCCCGC[CG>C]GCGGATCCATGGCAGCCGGACTGCAGCCGGGGCCCCGCACTCGCAGCCGGCGCGAAAGTT-3'

ClinVar aggregate classification (germline): Pathogenic (1 of 4 stars; one submission).

Conditions:
Ehlers-Danlos syndrome, dermatosparaxis type. Also called: EDS VIIC; Dermatosparaxis; Ehlers-Danlos syndrome, type VII, autosomal recessive. Identifiers: Orphanet 1901, MedGen C2700425, MONDO:0009161, OMIM 225410.

Submission:

Labcorp Genetics (formerly Invitae), Labcorp
Classification: Pathogenic for Ehlers-Danlos syndrome, dermatosparaxis type. Last evaluated: 2022-10-05. Review status: criteria provided, single submitter. Criteria: Invitae Variant Classification Sherloc (09022015). Collection method: clinical testing. Allele origin: germline.
Comment: This sequence change creates a premature translational stop signal (p.Pro4Argfs*161) in the ADAMTS2 gene. It is expected to result in an absent or disrupted protein product. Loss-of-function variants in ADAMTS2 are known to be pathogenic (PMID: 10417273). This variant is not present in population databases (gnomAD no frequency). This variant has not been reported in the literature in individuals affected with ADAMTS2-related conditions. For these reasons, this variant has been classified as Pathogenic.

Literature cited by the submitters: PubMed 10417273.